The following is an entry in ClinVar:

ClinVar aggregate classification (germline): Uncertain significance (1 of 4 stars; one submission).

Allele frequency attached by ClinVar (database versions not stated): gnomAD exomes below 0.00001; TOPMed 0.00001.
gnomAD v4.1: 5 of 1,614,030 alleles (0.00031%); highest among the groups gnomAD compares: Admixed American, 0.0017%; no homozygotes.

Submission:

Labcorp Genetics (formerly Invitae), Labcorp
Classification: Uncertain significance. Last evaluated: 2021-12-02. Review status: criteria provided, single submitter. Criteria: Invitae Variant Classification Sherloc (09022015). Collection method: clinical testing. Allele origin: germline.
Comment: In summary, the available evidence is currently insufficient to determine the role of this variant in disease. Therefore, it has been classified as a Variant of Uncertain Significance. This sequence change replaces cysteine, which is neutral and slightly polar, with tyrosine, which is neutral and polar, at codon 312 of the ERMARD protein (p.Cys312Tyr). This variant is present in population databases (no rsID available, gnomAD 0.003%). This variant has not been reported in the literature in individuals affected with ERMARD-related conditions. Algorithms developed to predict the effect of missense changes on protein structure and function are either unavailable or do not agree on the potential impact of this missense change (SIFT: "Deleterious"; PolyPhen-2: "Probably Damaging"; Align-GVGD: "Class C0").

NM_018341.3(ERMARD):c.935G>A (p.Cys312Tyr)

Gene: ERMARD (ER membrane associated RNA degradation; plus strand). Cytogenetic location: 6q27.
Variant type: single nucleotide variant.
Coding change: c.935G>A on transcript NM_018341.3 (MANE Select); coding-DNA position 935, G replaced by A.
Protein change: p.Cys312Tyr; replaces cysteine 312 with tyrosine.
Molecular consequence: missense variant.
Genome position (GRCh38, 1-based): chr6:169,762,506, G>A. VCF-style: chr6-169762506-G-A. GRCh37 (hg19) VCF-style: chr6-170162602-G-A.
Other names: c.935G>A, p.Cys312Tyr (NM_001278531.2, NM_001278533.2); c.557G>A, p.Cys186Tyr (NM_001278532.2); short protein forms C186Y, C312Y.
Identifiers: ClinVar variation 1440118 (VCV001440118.6), dbSNP rs1563018607, ClinGen allele CA366499261.